The following is an entry in ClinVar:

ClinVar aggregate classification (germline): Uncertain significance. Review status: criteria provided, multiple submitters, no conflicts (2 of 4 stars). 2 submissions from 2 submitters: Uncertain significance (2). Last evaluated 2025-09-30.

Conditions:
Inborn genetic diseases. Identifiers: MedGen C0950123, MeSH D030342.

Allele frequency attached by ClinVar (database versions not stated): gnomAD 0.00001; TOPMed 0.00001.
gnomAD v4.1: 7 of 1,613,200 alleles (0.00043%); highest among the groups gnomAD compares: South Asian, 0.0011%; no homozygotes.

Submissions (2):

Labcorp Genetics (formerly Invitae), Labcorp
Classification: Uncertain significance. Last evaluated: 2025-09-30. Review status: criteria provided, single submitter. Criteria: Invitae Variant Classification Sherloc (09022015). Collection method: clinical testing. Allele origin: germline.
Comment: This sequence change replaces phenylalanine, which is neutral and non-polar, with serine, which is neutral and polar, at codon 582 of the NSD1 protein (p.Phe582Ser). This variant is not present in population databases (gnomAD no frequency). This variant has not been reported in the literature in individuals affected with NSD1-related conditions. ClinVar contains an entry for this variant (Variation ID: 2287987). Invitae Evidence Modeling of protein sequence and biophysical properties (such as structural, functional, and spatial information, amino acid conservation, physicochemical variation, residue mobility, and thermodynamic stability) indicates that this missense variant is not expected to disrupt NSD1 protein function with a negative predictive value of 95%. In summary, the available evidence is currently insufficient to determine the role of this variant in disease. Therefore, it has been classified as a Variant of Uncertain Significance.

Ambry Genetics
Classification: Uncertain significance for Inborn genetic diseases. Last evaluated: 2022-05-09. Review status: criteria provided, single submitter. Criteria: Ambry Variant Classification Scheme 2023. Collection method: clinical testing. Allele origin: germline.

NM_022455.5(NSD1):c.1745T>C (p.Phe582Ser)

Gene: NSD1 (nuclear receptor binding SET domain protein 1; plus strand). Cytogenetic location: 5q35.3.
Variant type: single nucleotide variant.
Coding change: c.1745T>C on transcript NM_022455.5 (MANE Select); coding-DNA position 1745, T replaced by C.
Protein change: p.Phe582Ser; replaces phenylalanine 582 with serine.
Molecular consequence: missense variant.
Genome position (GRCh38, 1-based): chr5:177,210,144, T>C. VCF-style: chr5-177210144-T-C. GRCh37 (hg19) VCF-style: chr5-176637145-T-C.
Other names: c.872T>C, p.Phe291Ser (NM_001365684.2, NM_172349.5, NM_001409306.1 and 3 more transcripts); c.1745T>C, p.Phe582Ser (NM_001409301.1, NM_001409302.1, NM_001409303.1); c.1325T>C, p.Phe442Ser (NM_001409304.1); c.992T>C, p.Phe331Ser (NM_001409305.1); short protein forms F442S, F331S, F291S, F313S, F582S.
Identifiers: ClinVar variation 2287987 (VCV002287987.4), dbSNP rs1376984290, ClinGen allele CA362311130.
Genomic context (GRCh38, chr5:177,210,144, plus strand): 5'-ACACTGCCCCAGGAAGTTTTCTGTTTTCTTCCTGTGGAAAAAACACTGCAAAGAAAGAAT[T>C]TGAGACTTCAAATGGTGACTCTTTATTGGGCTTGCCTGAGGGTGCTTTGATCTCAAAGTG-3'
Protein context (NP_071900.2, residues 572-592): SCGKNTAKKE[Phe582Ser]ETSNGDSLLG